The following is an entry in ClinVar:

NM_207346.3(TSEN54):c.1404A>G (p.Lys468=)

Gene: TSEN54 (tRNA splicing endonuclease subunit 54; plus strand). Cytogenetic location: 17q25.1.
Variant type: single nucleotide variant.
Coding change: c.1404A>G on transcript NM_207346.3 (MANE Select); coding-DNA position 1404, A replaced by G.
Protein change: p.Lys468=; no amino-acid change (lysine 468 retained).
Molecular consequence: synonymous variant.
Genome position (GRCh38, 1-based): chr17:75,523,753, A>G. VCF-style: chr17-75523753-A-G. GRCh37 (hg19) VCF-style: chr17-73519834-A-G.
Identifiers: ClinVar variation 2892194 (VCV002892194.7), dbSNP rs368213101, ClinGen allele CA8764430.

ClinVar aggregate classification (germline): Likely benign. Review status: criteria provided, multiple submitters, no conflicts (2 of 4 stars). 2 submissions from 2 submitters: Likely benign (2). Last evaluated 2026-02-01.

Allele frequency attached by ClinVar (database versions not stated): ExAC 0.00001; gnomAD exomes 0.00001; TOPMed 0.00001; gnomAD 0.00003; ESP Exome Variant Server 0.00008.
gnomAD v4.1: 13 of 1,613,820 alleles (0.00081%); highest among the groups gnomAD compares: Non-Finnish European, 0.001%; no homozygotes.

Submissions (2):

CeGaT Center for Human Genetics Tuebingen
Classification: Likely benign. Last evaluated: 2026-02-01. Review status: criteria provided, single submitter. Criteria: CeGaT Center For Human Genetics Tuebingen Variant Classification Criteria Version 2. Collection method: clinical testing. Allele origin: germline. Affected: yes. Observed: 1 variant allele.
Comment: TSEN54: BP4, BP7

Labcorp Genetics (formerly Invitae), Labcorp
Classification: Likely benign. Last evaluated: 2024-02-23. Review status: criteria provided, single submitter. Criteria: Invitae Variant Classification Sherloc (09022015). Collection method: clinical testing. Allele origin: germline.